The following is an entry in ClinVar:

ClinVar aggregate classification (germline): Conflicting classifications of pathogenicity. Review status: criteria provided, conflicting classifications (1 of 4 stars). 6 submissions from 6 submitters: Uncertain significance (5); Likely benign (1). Last evaluated 2026-01-24.

Conditions:
BRIP1-related disorder. Also called: BRIP1-related condition; BRIP1-related disorders. Identifiers: MedGen CN239206.
Familial cancer of breast. Also called: Hereditary breast cancer; BREAST CANCER, FAMILIAL; hereditary breast carcinoma. Identifiers: Orphanet 227535, MedGen C0346153, MONDO:0016419, OMIM 114480. Disease mechanism: loss of function.
Fanconi anemia complementation group J. Also called: BRIP1-Related Fanconi Anemia. Identifiers: Orphanet 84, MedGen C1836860, MONDO:0012187, OMIM 609054.
Hereditary cancer-predisposing syndrome. Also called: Neoplastic Syndromes, Hereditary; Tumor predisposition; Hereditary neoplastic syndrome; Hereditary Cancer Syndrome. Identifiers: Orphanet 140162, MedGen C0027672, MeSH D009386, MONDO:0015356.

Allele frequency attached by ClinVar (database versions not stated): gnomAD 0.00001; TOPMed 0.00001; gnomAD exomes 0.00002.
gnomAD v4.1: 17 of 1,613,860 alleles (0.0011%); highest among the groups gnomAD compares: Admixed American, 0.0067%; no homozygotes.

Submissions (6):

Labcorp Genetics (formerly Invitae), Labcorp
Classification: Uncertain significance for Familial cancer of breast; Fanconi anemia complementation group J. Last evaluated: 2026-01-24. Review status: criteria provided, single submitter. Criteria: Invitae Variant Classification Sherloc (09022015). Collection method: clinical testing. Allele origin: germline.
Comment: This sequence change replaces threonine, which is neutral and polar, with isoleucine, which is neutral and non-polar, at codon 908 of the BRIP1 protein (p.Thr908Ile). This variant is present in population databases (rs786201919, gnomAD 0.006%). This variant has not been reported in the literature in individuals affected with BRIP1-related conditions. ClinVar contains an entry for this variant (Variation ID: 185088). Invitae Evidence Modeling of protein sequence and biophysical properties (such as structural, functional, and spatial information, amino acid conservation, physicochemical variation, residue mobility, and thermodynamic stability) indicates that this missense variant is not expected to disrupt BRIP1 protein function with a negative predictive value of 95%. In summary, the available evidence is currently insufficient to determine the role of this variant in disease. Therefore, it has been classified as a Variant of Uncertain Significance.

PreventionGenetics, part of Exact Sciences
Classification: Uncertain significance for BRIP1-related condition. Last evaluated: 2025-12-04. Review status: criteria provided, single submitter. Criteria: ACMG Guidelines, 2015. Collection method: clinical testing. Allele origin: germline.
Comment: The BRIP1 c.2723C>T variant is predicted to result in the amino acid substitution p.Thr908Ile. This variant has been reported in the literature in one individual with breast cancer (Easton et al. 2016. PubMed ID: 26921362). This variant is reported in 0.0058% of alleles in individuals of Latino descent in gnomAD. This variant has conflicting interpretations in ClinVar ranging from uncertain to likely benign (Variation ID: 185088). At this time, the clinical significance of this variant is uncertain due to the absence of conclusive functional and genetic evidence.

Ambry Genetics
Classification: Likely benign for Hereditary cancer-predisposing syndrome. Last evaluated: 2024-03-20. Review status: criteria provided, single submitter. Criteria: Ambry Variant Classification Scheme 2023. Collection method: clinical testing. Allele origin: germline.

Sema4
Classification: Uncertain significance for Hereditary cancer-predisposing syndrome. Last evaluated: 2021-11-27. Review status: criteria provided, single submitter. Criteria: Sema4 Curation Guidelines. Collection method: curation. Allele origin: germline.
Comment: The BRIP1 c.2723C>T (p.T908I) variant has been reported in a breast cancer case-control study in 2/60,466 cases and 0/53,461 controls (PMID: 33471991). It was observed in 2/34590 chromosomes from the Latino subpopulation in the large and broad cohorts of the Genome Aggregation Database (PMID: 32461654). The variant has been reported in ClinVar (Variation ID 185088). Functional studies have not been performed, and in silico predictions of the variant's effect on protein function are inconclusive. The evidence is insufficient to meet ACMG/AMP criteria for classifying the variant as benign or pathogenic. Thus, the clinical significance of this variant is currently uncertain.

GeneDx
Classification: Uncertain significance. Last evaluated: 2017-05-31. Review status: criteria provided, single submitter. Criteria: GeneDx Variant Classification (06012015). Collection method: clinical testing. Allele origin: germline. Affected: yes.
Comment: This variant is denoted BRIP1 c.2723C>T at the cDNA level, p.Thr908Ile (T908I) at the protein level, and results in the change of a Threonine to an Isoleucine (ACA>ATA). This variant was observed in an individual with invasive breast cancer (Easton 2016). BRIP1 Thr908Ile was not observed in large population cohorts (NHLBI Exome Sequencing Project, The 1000 Genomes Consortium 2015, Lek 2016). Since Threonine and Isoleucine differ in polarity, charge, size or other properties, this is considered a non-conservative amino acid substitution. BRIP1 Thr908Ile occurs at a position that is not conserved and is located in the BRCA1 binding domain (Cantor 2011). In silico analyses predict that this variant is unlikely to alter protein structure or function. Based on currently available evidence, it is unclear whether BRIP1 Thr908Ile is a pathogenic or benign variant. We consider it to be a variant of uncertain significance.

Women's Health and Genetics/Laboratory Corporation of America, LabCorp
Classification: Uncertain significance. Last evaluated: 2016-07-11. Review status: criteria provided, single submitter. Criteria: LabCorp Variant Classification Summary - May 2015. Collection method: clinical testing. Allele origin: germline.
Comment: Variant summary: The c.2723C>T (p.Thr908I) in BRIP1 gene is a missense change that involves a non-conserved nucleotide and 4/5 in silico tools predict benign outcome. The variant of interest is located outside of any known functional domain. The variant is absent from the control population dataset of ExAC and has not, to our knowledge, been reported in affected individuals via published. One by reputable database/clinical laboratory classified the variant as VUS. Taking together, the variant was classified as VUS.

Literature cited by the submitters: PubMed 33471991 (cited by Ambry Genetics and Sema4).

NM_032043.3(BRIP1):c.2723C>T (p.Thr908Ile)

Gene: BRIP1 (BRCA1 interacting DNA helicase 1; minus strand). Cytogenetic location: 17q23.2.
Variant type: single nucleotide variant.
Coding change: c.2723C>T on transcript NM_032043.3 (MANE Select); coding-DNA position 2723, C replaced by T.
Protein change: p.Thr908Ile; replaces threonine 908 with isoleucine.
Molecular consequence: missense variant.
Genome position (GRCh38, 1-based): chr17:61,686,018, G>A on the plus strand (C>T on the coding strand, the complement: BRIP1 is on the minus strand). VCF-style: chr17-61686018-G-A. GRCh37 (hg19) VCF-style: chr17-59763379-G-A.
Other names: short protein forms T908I.
Identifiers: ClinVar variation 185088 (VCV000185088.16), dbSNP rs786201919, ClinGen allele CA190975.